The following is an entry in ClinVar:

ClinVar aggregate classification (germline): Uncertain significance (1 of 4 stars; one submission).

Conditions:
Generalized epilepsy-paroxysmal dyskinesia syndrome (PNKD3). Also called: Generalized epilepsy and paroxysmal dyskinesia; Paroxysmal nonkinesigenic dyskinesia, 3, with or without generalized epilepsy. Identifiers: Orphanet 79137, MedGen C5574945, MONDO:0012276, OMIM 609446.

Submission:

Labcorp Genetics (formerly Invitae), Labcorp
Classification: Uncertain significance for Generalized epilepsy-paroxysmal dyskinesia syndrome. Last evaluated: 2024-11-11. Review status: criteria provided, single submitter. Criteria: Invitae Variant Classification Sherloc (09022015). Collection method: clinical testing. Allele origin: germline.
Comment: This variant, c.147_167dup, results in the insertion of 7 amino acid(s) of the KCNMA1 protein (p.Ser54_Ser60dup), but otherwise preserves the integrity of the reading frame. This variant is not present in population databases (gnomAD no frequency). This variant has not been reported in the literature in individuals affected with KCNMA1-related conditions. ClinVar contains an entry for this variant (Variation ID: 2092571). Experimental studies and prediction algorithms are not available or were not evaluated, and the functional significance of this variant is currently unknown. In summary, the available evidence is currently insufficient to determine the role of this variant in disease. Therefore, it has been classified as a Variant of Uncertain Significance.

NM_001161352.2(KCNMA1):c.147_167dup (p.Ser60_Val61insSerSerSerSerSerSerSer)

Gene: KCNMA1 (potassium calcium-activated channel subfamily M alpha 1; minus strand). Cytogenetic location: 10q22.3.
Variant type: Duplication.
Coding change: c.147_167dup on transcript NM_001161352.2 (MANE Select); coding-DNA positions 147 to 167, 21 bases duplicated (TTCTTCTTCCTCCTCCTCTTC).
Protein change: p.Ser60_Val61insSerSerSerSerSerSerSer.
Molecular consequence: inframe insertion. On other transcripts: inframe indel (1).
Genome position (GRCh38, 1-based): chr10:77,637,476-77,637,496, GAAGAGGAGGAGGAAGAAGAA duplicated on the plus strand (TTCTTCTTCCTCCTCCTCTTC on the coding strand, the reverse complement: KCNMA1 is on the minus strand); duplicating any 21 consecutive bases within chr10:77,637,476-77,637,504 gives the same sequence; the c. name uses the placement nearest the transcript's 3' end. VCF-style (leftmost placement, unchanged base first): chr10-77637475-G-GGAAGAGGAGGAGGAAGAAGAA. GRCh37 (hg19) VCF-style: chr10-79397233-G-GGAAGAGGAGGAGGAAGAAGAA.
Other names: c.147_167dup, p.Ser60_Val61insSerSerSerSerSerSerSer (NM_001014797.3, NM_001161353.2, NM_001271518.2 and 12 more transcripts); c.139_159dup, p.Ser60_Val61insSerSerSerSerSerSerSer (NM_001410940.1).
Identifiers: ClinVar variation 2092571 (VCV002092571.4), dbSNP rs2552275368, ClinGen allele CA2580081997.